The following is an entry in ClinVar:

ClinVar aggregate classification (germline): Uncertain significance (1 of 4 stars; one submission).

Conditions:
Hereditary cancer-predisposing syndrome. Also called: Neoplastic Syndromes, Hereditary; Tumor predisposition; Hereditary Cancer Syndrome; Hereditary neoplastic syndrome. Identifiers: Orphanet 140162, MedGen C0027672, MeSH D009386, MONDO:0015356.

Submission:

Ambry Genetics
Classification: Uncertain significance for Hereditary cancer-predisposing syndrome. Last evaluated: 2022-03-01. Review status: criteria provided, single submitter. Criteria: Ambry Variant Classification Scheme 2023. Collection method: clinical testing. Allele origin: germline.
Comment: The p.S58A variant (also known as c.172T>G), located in coding exon 4 of the BAP1 gene, results from a T to G substitution at nucleotide position 172. The serine at codon 58 is replaced by alanine, an amino acid with similar properties. This amino acid position is conserved. In addition, this alteration is predicted to be tolerated by in silico analysis. Since supporting evidence is limited at this time, the clinical significance of this alteration remains unclear.

NM_004656.4(BAP1):c.172T>G (p.Ser58Ala)

Gene: BAP1 (BRCA1 associated deubiquitinase 1; minus strand). Cytogenetic location: 3p21.1.
Variant type: single nucleotide variant.
Coding change: c.172T>G on transcript NM_004656.4 (MANE Select); coding-DNA position 172, T replaced by G.
Protein change: p.Ser58Ala; replaces serine 58 with alanine.
Molecular consequence: missense variant.
Genome position (GRCh38, 1-based): chr3:52,408,557, A>C on the plus strand (T>G on the coding strand, the complement: BAP1 is on the minus strand). VCF-style: chr3-52408557-A-C. GRCh37 (hg19) VCF-style: chr3-52442573-A-C.
Other names: c.172T>G, p.Ser58Ala (NM_001410772.1); short protein forms S58A.
Identifiers: ClinVar variation 1778964 (VCV001778964.2), dbSNP rs2153228322, ClinGen allele CA353113493.